The following is an entry in ClinVar:

ClinVar aggregate classification (germline): Pathogenic (1 of 4 stars; one submission).

Conditions:
Cerebral cavernous malformation (CCM). Also called: Cerebral cavernous hemangioma (type); Cerebral cavernous malformations; CAVERNOUS ANGIOMA, FAMILIAL; CAVERNOUS ANGIOMATOUS MALFORMATIONS; CEREBRAL CAPILLARY MALFORMATIONS; Cavernous Hemangioma of Brain. Identifiers: Orphanet 221061, MedGen C2919945, MONDO:0000820, OMIM 116860, HP:0033522.

Submission:

Labcorp Genetics (formerly Invitae), Labcorp
Classification: Pathogenic for Cerebral cavernous malformation. Last evaluated: 2024-07-21. Review status: criteria provided, single submitter. Criteria: Invitae Variant Classification Sherloc (09022015). Collection method: clinical testing. Allele origin: germline.
Comment: This sequence change inserts a large fragment of DNA, likely a transposable element, in exon 8 of the KRIT1 gene (c.423_424ins?), causing a frameshift at codon 141 (p.Val141fs). The exact size and sequence of the insertion cannot be determined by the current assay. However, the insertion is expected to result in an absent or disrupted protein product. This variant is not present in population databases (gnomAD no frequency). This variant has not been reported in the literature in individuals affected with KRIT1-related conditions. Retrotransposon insertions including LINE1 (L1), Alu, and SVA (SINE-VNTR-Alu) have been reported to be disease-causing through disruption of either a coding region or splice site (PMID: 19763152, 20307669, 22406018) and loss-of-function variants in KRIT1 are known to be pathogenic (PMID: 10508515, 11222804, 12404106, 24689081). For these reasons, this variant has been classified as Pathogenic.

Literature cited by the submitters: PubMed 19763152; PubMed 20307669; PubMed 22406018; PubMed 10508515; PubMed 11222804; PubMed 12404106; PubMed 24689081.

NM_194454.3(KRIT1):c.423_424insAGACGGGCCCCGCGGGGCCCGAGGGCAAGGAGCAGCCGCCTGCCTTGGCCTCCCAACGTGCCGAGATTGCAGCCTNNNNNNNNNNAAAAAAAAAAAAAAAAAAAAAAGATATTATGCGAGTC (p.Cys142fs)

Gene: KRIT1 (KRIT1 ankyrin repeat containing; minus strand). Cytogenetic location: 7q21.2.
Variant type: Insertion.
Coding change: c.423_424insAGACGGGCCCCGCGGGGCCCGAGGGCAAGGAGCAGCCGCCTGCCTTGGCCTCCCAACGTGCCGAGATTGCAGCCTNNNNNNNNNNAAAAAAAAAAAAAAAAAAAAAAGATATTATGCGAGTC on transcript NM_194454.3 (MANE Select); coding-DNA positions 423 to 424, AGACGGGCCCCGCGGGGCCCGAGGGCAAGGAGCAGCCGCCTGCCTTGGCCTCCCAACGTGCCGAGATTGCAGCCTNNNNNNNNNNAAAAAAAAAAAAAAAAAAAAAAGATATTATGCGAGTC inserted.
Protein change: p.Cys142fs; shifts the reading frame from cysteine 142.
Molecular consequence: frameshift variant. On other transcripts: 5 prime UTR variant (1).
Genome position: GRCh38: chr7:92,236,491-92,236,492. GRCh37 (hg19): chr7:91,865,805-91,865,806.
Other names: c.423_424insAGACGGGCCCCGCGGGGCCCGAGGGCAAGGAGCAGCCGCCTGCCTTGGCCTCCCAACGTGCCGAGATTGCAGCCTNNNNNNNNNNAAAAAAAAAAAAAAAAAAAAAAGATATTATGCGAGTC, p.Cys142fs (NM_001013406.2, NM_001350669.1, NM_001350670.1 and 29 more transcripts); c.-161_-160insAGACGGGCCCCGCGGGGCCCGAGGGCAAGGAGCAGCCGCCTGCCTTGGCCTCCCAACGTGCCGAGATTGCAGCCTNNNNNNNNNNAAAAAAAAAAAAAAAAAAAAAAGATATTATGCGAGTC (NM_001350671.1); short protein forms C142fs.
Identifiers: ClinVar variation 3660075 (VCV003660075.2).